The following is an entry in ClinVar:

NM_182914.3(SYNE2):c.5438A>G (p.Glu1813Gly)

Gene: SYNE2 (spectrin repeat containing nuclear envelope protein 2; plus strand). Cytogenetic location: 14q23.2.
Variant type: single nucleotide variant.
Coding change: c.5438A>G on transcript NM_182914.3 (MANE Select); coding-DNA position 5438, A replaced by G.
Protein change: p.Glu1813Gly; replaces glutamic acid 1813 with glycine.
Molecular consequence: missense variant.
Genome position (GRCh38, 1-based): chr14:64,021,942, A>G. VCF-style: chr14-64021942-A-G. GRCh37 (hg19) VCF-style: chr14-64488660-A-G.
Other names: c.5438A>G, p.Glu1813Gly (NM_015180.6); short protein forms E1813G.
Identifiers: ClinVar variation 3684991 (VCV003684991.2).

ClinVar aggregate classification (germline): Uncertain significance (1 of 4 stars; one submission).

Conditions:
Emery-Dreifuss muscular dystrophy 5, autosomal dominant (EDMD5). Also called: EMERY-DREIFUSS MUSCULAR DYSTROPHY 5. Identifiers: Orphanet 261, MedGen C2751805, MONDO:0013072, OMIM 612999.

Submission:

Labcorp Genetics (formerly Invitae), Labcorp
Classification: Uncertain significance for Emery-Dreifuss muscular dystrophy 5, autosomal dominant. Last evaluated: 2024-03-02. Review status: criteria provided, single submitter. Criteria: Invitae Variant Classification Sherloc (09022015). Collection method: clinical testing. Allele origin: germline.
Comment: This sequence change replaces glutamic acid, which is acidic and polar, with glycine, which is neutral and non-polar, at codon 1813 of the SYNE2 protein (p.Glu1813Gly). This variant is not present in population databases (gnomAD no frequency). This variant has not been reported in the literature in individuals affected with SYNE2-related conditions. An algorithm developed to predict the effect of missense changes on protein structure and function (PolyPhen-2) suggests that this variant is likely to be disruptive. In summary, the available evidence is currently insufficient to determine the role of this variant in disease. Therefore, it has been classified as a Variant of Uncertain Significance.